The following is an entry in ClinVar:

ClinVar aggregate classification (germline): Uncertain significance. Review status: criteria provided, multiple submitters, no conflicts (2 of 4 stars). 4 submissions from 4 submitters: Uncertain significance (4). Last evaluated 2025-08-27.

Conditions:
Cerebrooculofacioskeletal syndrome 1 (COFS1). Also called: Cerebro-oculo-facio-skeletal syndrome 1. Identifiers: MedGen C0220722, MONDO:0008955, OMIM 214150.

Allele frequency attached by ClinVar (database versions not stated): gnomAD exomes 0.00018; ExAC 0.00022; TOPMed 0.00023; gnomAD 0.00025 and 0.00027; ESP Exome Variant Server 0.00031.
gnomAD v4.1: 304 of 1,613,786 alleles (0.019%); highest among the groups gnomAD compares: Non-Finnish European, 0.024%; no homozygotes.

Submissions (4):

3billion
Classification: Uncertain significance for Cerebrooculofacioskeletal syndrome 1. Last evaluated: 2025-08-27. Review status: criteria provided, single submitter. Criteria: ACMG Guidelines, 2015. Collection method: clinical testing. Allele origin: germline. Affected: yes.
Comment: The variant is observed at an extremely low frequency in the gnomAD v4.1.0 dataset (total allele frequency: 0.019%). Predicted Consequence/Location: Missense variant. The majority of the known disease-causing variants of this gene are variants expected to result in premature termination of the protein. In silico tool predictions suggest damaging effect of the variant on gene or gene product [REVEL: 0.67 (>=0.6, sensitivity 0.68 and specificity 0.92)]. The same nucleotide change resulting in the same amino acid change has been previously reported to be associated with ERCC6-related disorder (PMID: 35066699). However, the evidence of pathogenicity is insufficient at this time. Therefore, this variant is classified as VUS according to the recommendation of ACMG/AMP guideline.

Blueprint Genetics
Classification: Uncertain significance. Last evaluated: 2024-07-24. Review status: criteria provided, single submitter. Criteria: ACMG Guidelines, 2015. Collection method: clinical testing. Allele origin: germline.

Labcorp Genetics (formerly Invitae), Labcorp
Classification: Uncertain significance. Last evaluated: 2022-08-31. Review status: criteria provided, single submitter. Criteria: Invitae Variant Classification Sherloc (09022015). Collection method: clinical testing. Allele origin: germline.
Comment: This sequence change replaces arginine, which is basic and polar, with histidine, which is basic and polar, at codon 557 of the ERCC6 protein (p.Arg557His). This variant is present in population databases (rs41549213, gnomAD 0.04%). This variant has not been reported in the literature in individuals affected with ERCC6-related conditions. ClinVar contains an entry for this variant (Variation ID: 1199852). Algorithms developed to predict the effect of missense changes on protein structure and function (SIFT, PolyPhen-2, Align-GVGD) all suggest that this variant is likely to be disruptive. In summary, the available evidence is currently insufficient to determine the role of this variant in disease. Therefore, it has been classified as a Variant of Uncertain Significance.

GeneDx
Classification: Uncertain significance. Last evaluated: 2021-04-05. Review status: criteria provided, single submitter. Criteria: GeneDx Variant Classification Process June 2021. Collection method: clinical testing. Allele origin: germline. Affected: yes.
Comment: Observed in an individual with dilated cardiomyopathy as well as that individual's father with pericarditis and sudden cardiac death; however, this individual and their father also harbored a variant in the SDHA gene (Herkert et al., 2018); Observed in an individual with colon cancer (Golubicki et al., 2021); In silico analysis supports that this missense variant has a deleterious effect on protein structure/function; This variant is associated with the following publications: (PMID: 33809179, 29517769)

Literature cited by the submitters: PubMed 35066699 (cited by 3billion).

NM_000124.4(ERCC6):c.1670G>A (p.Arg557His)

Gene: ERCC6 (ERCC excision repair 6, chromatin remodeling factor; minus strand). Cytogenetic location: 10q11.23.
Variant type: single nucleotide variant.
Coding change: c.1670G>A on transcript NM_000124.4 (MANE Select); coding-DNA position 1670, G replaced by A.
Protein change: p.Arg557His; replaces arginine 557 with histidine.
Molecular consequence: missense variant.
Genome position (GRCh38, 1-based): chr10:49,500,553, C>T on the plus strand (G>A on the coding strand, the complement: ERCC6 is on the minus strand). VCF-style: chr10-49500553-C-T. GRCh37 (hg19) VCF-style: chr10-50708599-C-T.
Other names: c.1670G>A, p.Arg557His (NM_001346440.2); short protein forms R557H.
Identifiers: ClinVar variation 1199852 (VCV001199852.7), dbSNP rs41549213, ClinGen allele CA5495911.